The following is an entry in ClinVar:

NM_025114.4(CEP290):c.516+6G>A

Gene: CEP290 (centrosomal protein 290; minus strand). Cytogenetic location: 12q21.32.
Variant type: single nucleotide variant.
Coding change: c.516+6G>A on transcript NM_025114.4 (MANE Select); 6 bases into the intron after coding-DNA position 516, G replaced by A.
Molecular consequence: intron variant.
Genome position (GRCh38, 1-based): chr12:88,130,539, C>T on the plus strand (G>A on the coding strand, the complement: CEP290 is on the minus strand). VCF-style: chr12-88130539-C-T. GRCh37 (hg19) VCF-style: chr12-88524316-C-T.
Identifiers: ClinVar variation 3353729 (VCV003353729.2).

ClinVar aggregate classification (germline): Uncertain significance. Review status: criteria provided, single submitter (1 of 4 stars). 2 submissions from 2 submitters: Uncertain significance (1). 1 of the submissions does not count toward it. Last evaluated 2025-02-10.

Conditions:
CEP290-related disorder. Also called: CEP290-related condition; CEP290-related disorders. Identifiers: MedGen CN239314.

Submissions (2):

Women's Health and Genetics/Laboratory Corporation of America, LabCorp
Classification: Uncertain significance. Last evaluated: 2025-02-10. Review status: criteria provided, single submitter. Criteria: LabCorp Variant Classification Summary - May 2015. Collection method: clinical testing. Allele origin: germline.

PreventionGenetics, part of Exact Sciences
Classification: Likely benign for CEP290-related condition. Last evaluated: 2022-05-02. Review status: no assertion criteria provided. Collection method: clinical testing. Allele origin: germline. Not counted in ClinVar's aggregate classification.
Comment: This variant is classified as likely benign based on ACMG/AMP sequence variant interpretation guidelines (Richards et al. 2015 PMID: 25741868, with internal and published modifications).